The following is an entry in ClinVar:

NM_000278.5(PAX2):c.244G>T (p.Val82Leu)

Gene: PAX2 (paired box 2; plus strand). Cytogenetic location: 10q24.31.
Variant type: single nucleotide variant.
Coding change: c.244G>T on transcript NM_000278.5 (MANE Select); coding-DNA position 244, G replaced by T.
Protein change: p.Val82Leu; replaces valine 82 with leucine.
Molecular consequence: missense variant.
Genome position (GRCh38, 1-based): chr10:100,750,725, G>T. VCF-style: chr10-100750725-G-T. GRCh37 (hg19) VCF-style: chr10-102510482-G-T.
Other names: c.337G>T, p.Val113Leu (NM_001304569.2); c.244G>T, p.Val82Leu (NM_003987.5, NM_003988.5, NM_003989.5 and 1 more transcripts); short protein forms V113L, V82L.
Identifiers: ClinVar variation 1361915 (VCV001361915.6), dbSNP rs2133836298, ClinGen allele CA378257852.
Genomic context (GRCh38, chr10:100,750,725, plus strand): 5'-GGCTGACCCCGCCGGCTTTCCCGGCGCAGGTACTACGAGACCGGCAGCATCAAGCCGGGT[G>T]TGATCGGTGGCTCCAAGCCCAAAGTGGCGACGCCCAAAGTGGTGGACAAGATTGCTGAAT-3'
Protein context (NP_000269.3, residues 72-92): YYETGSIKPG[Val82Leu]IGGSKPKVAT

ClinVar aggregate classification (germline): Uncertain significance (1 of 4 stars; one submission).

Conditions:
Renal coloboma syndrome (PAPRS). Also called: PAPILLORENAL SYNDROME WITH MILD OCULAR ABNORMALITIES; COLOBOMA OF OPTIC NERVE WITH RENAL DISEASE; OPTIC COLOBOMA, VESICOURETERAL REFLUX, AND RENAL ANOMALIES; OPTIC NERVE COLOBOMA WITH RENAL DISEASE; RENAL-COLOBOMA SYNDROME WITH MACULAR ABNORMALITIES; CONGENITAL ANOMALIES OF THE KIDNEY AND URINARY TRACT WITH OR WITHOUT OCULAR ABNORMALITIES. Identifiers: Orphanet 1475, MedGen C1852759, MONDO:0007352, OMIM 120330.
Focal segmental glomerulosclerosis 7 (FSGS7). Identifiers: Orphanet 656, MedGen C4014925, MONDO:0014451, OMIM 616002.

Submission:

Labcorp Genetics (formerly Invitae), Labcorp
Classification: Uncertain significance for Renal coloboma syndrome; Focal segmental glomerulosclerosis 7. Last evaluated: 2022-07-19. Review status: criteria provided, single submitter. Criteria: Invitae Variant Classification Sherloc (09022015). Collection method: clinical testing. Allele origin: germline.
Comment: In summary, the available evidence is currently insufficient to determine the role of this variant in disease. Therefore, it has been classified as a Variant of Uncertain Significance. Algorithms developed to predict the effect of missense changes on protein structure and function are either unavailable or do not agree on the potential impact of this missense change (SIFT: "Not Available"; PolyPhen-2: "Probably Damaging"; Align-GVGD: "Not Available"). ClinVar contains an entry for this variant (Variation ID: 1361915). This variant has not been reported in the literature in individuals affected with PAX2-related conditions. This variant is not present in population databases (gnomAD no frequency). This sequence change replaces valine with leucine at codon 82 of the PAX2 protein (p.Val82Leu). The valine residue is highly conserved and there is a small physicochemical difference between valine and leucine.